The following is an entry in ClinVar:

NM_032119.4(ADGRV1):c.11941-1G>C

Gene: ADGRV1 (adhesion G protein-coupled receptor V1; plus strand). Cytogenetic location: 5q14.3.
Variant type: single nucleotide variant.
Coding change: c.11941-1G>C on transcript NM_032119.4 (MANE Select); the canonical splice acceptor site of the intron before coding-DNA position 11941, G replaced by C.
Molecular consequence: splice acceptor variant.
Genome position (GRCh38, 1-based): chr5:90,759,408, G>C. VCF-style: chr5-90759408-G-C. GRCh37 (hg19) VCF-style: chr5-90055225-G-C.
Identifiers: ClinVar variation 4806321 (VCV004806321.1).

ClinVar aggregate classification (germline): Likely pathogenic (1 of 4 stars; one submission).

Submission:

Labcorp Genetics (formerly Invitae), Labcorp
Classification: Likely pathogenic. Last evaluated: 2025-07-01. Review status: criteria provided, single submitter. Criteria: Invitae Variant Classification Sherloc (09022015). Collection method: clinical testing. Allele origin: germline.
Comment: This sequence change affects an acceptor splice site in intron 57 of the ADGRV1 gene. It is expected to disrupt RNA splicing. Variants that disrupt the donor or acceptor splice site typically lead to a loss of protein function (PMID: 16199547), and loss-of-function variants in ADGRV1 are known to be pathogenic (PMID: 19357117, 22135276, 22147658, 26226137, 30718709, 31047384, 32467589). This variant is not present in population databases (gnomAD no frequency). This variant has not been reported in the literature in individuals affected with ADGRV1-related conditions. Algorithms developed to predict the effect of sequence changes on RNA splicing suggest that this variant may disrupt the consensus splice site. In summary, the currently available evidence indicates that the variant is pathogenic, but additional data are needed to prove that conclusively. Therefore, this variant has been classified as Likely Pathogenic.

Literature cited by the submitters: PubMed 16199547; PubMed 19357117; PubMed 22135276; PubMed 22147658; PubMed 26226137; PubMed 30718709; PubMed 31047384; PubMed 32467589.